The following is an entry in ClinVar:

NM_001267550.2(TTN):c.101476G>C (p.Gly33826Arg)

Genes: TTN-AS1 (TTN antisense RNA 1; plus strand), TTN (titin; minus strand). Cytogenetic location: 2q31.2.
Variant type: single nucleotide variant.
Coding change: c.101476G>C on transcript NM_001267550.2 (MANE Select); coding-DNA position 101476, G replaced by C.
Protein change: p.Gly33826Arg; replaces glycine 33826 with arginine.
Molecular consequence: missense variant.
Genome position (GRCh38, 1-based): chr2:178,535,139, C>G on the plus strand (G>C on the coding strand, the complement: TTN is on the minus strand). VCF-style: chr2-178535139-C-G. GRCh37 (hg19) VCF-style: chr2-179399866-C-G.
Other names: c.96553G>C, p.Gly32185Arg (NM_001256850.1); c.74281G>C, p.Gly24761Arg (NM_003319.4); c.93772G>C, p.Gly31258Arg (NM_133378.4); c.74656G>C, p.Gly24886Arg (NM_133432.3); c.74857G>C, p.Gly24953Arg (NM_133437.4); short protein forms G32185R, G24953R, G24761R, G24886R, G31258R, G33826R.
Identifiers: ClinVar variation 1910566 (VCV001910566.3), dbSNP rs770445217, ClinGen allele CA60959899.

ClinVar aggregate classification (germline): Uncertain significance (1 of 4 stars; one submission).

Conditions:
Dilated cardiomyopathy 1G (CMD1G). Identifiers: Orphanet 154, MedGen C1858763, MONDO:0011400, OMIM 604145.
Autosomal recessive limb-girdle muscular dystrophy type 2J (LGMDR10). Also called: Limb-girdle muscular dystrophy, type 2J; MUSCULAR DYSTROPHY, LIMB-GIRDLE, AUTOSOMAL RECESSIVE 10. Identifiers: Orphanet 140922, MedGen C1837342, MONDO:0012127, OMIM 608807.

Allele frequency attached by ClinVar (database versions not stated): TOPMed below 0.00001.

Submission:

Labcorp Genetics (formerly Invitae), Labcorp
Classification: Uncertain significance for Dilated cardiomyopathy 1G; Autosomal recessive limb-girdle muscular dystrophy type 2J. Last evaluated: 2022-10-22. Review status: criteria provided, single submitter. Criteria: Invitae Variant Classification Sherloc (09022015). Collection method: clinical testing. Allele origin: germline.
Comment: This variant is located in the M band of TTN (PMID: 25589632). Variants in this region may be relevant for neuromuscular disorders, but have not been definitively shown to cause cardiomyopathy (PMID: 23975875). In summary, the available evidence is currently insufficient to determine the role of this variant in disease. Therefore, it has been classified as a Variant of Uncertain Significance. Experimental studies and prediction algorithms are not available or were not evaluated, and the functional significance of this variant is currently unknown. This variant has not been reported in the literature in individuals affected with TTN-related conditions. This variant is not present in population databases (gnomAD no frequency). This sequence change replaces glycine, which is neutral and non-polar, with arginine, which is basic and polar, at codon 33826 of the TTN protein (p.Gly33826Arg).

Literature cited by the submitters: PubMed 25589632; PubMed 23975875.